The following is an entry in ClinVar:

NM_001572.5(IRF7):c.242C>T (p.Pro81Leu)

Gene: IRF7 (interferon regulatory factor 7; minus strand). Cytogenetic location: 11p15.5.
Variant type: single nucleotide variant.
Coding change: c.242C>T on transcript NM_001572.5 (MANE Select); coding-DNA position 242, C replaced by T.
Protein change: p.Pro81Leu; replaces proline 81 with leucine.
Molecular consequence: missense variant.
Genome position (GRCh38, 1-based): chr11:614,949, G>A on the plus strand (C>T on the coding strand, the complement: IRF7 is on the minus strand). VCF-style: chr11-614949-G-A. GRCh37 (hg19) VCF-style: chr11-614949-G-A.
Other names: c.242C>T, p.Pro81Leu (NM_004029.4); c.281C>T, p.Pro94Leu (NM_004031.4); short protein forms P81L, P94L.
Identifiers: ClinVar variation 1399908 (VCV001399908.8), dbSNP rs752325699, ClinGen allele CA5784028.

ClinVar aggregate classification (germline): Uncertain significance (1 of 4 stars; one submission).

Conditions:
Immunodeficiency 39 (IMD39). Identifiers: Orphanet 574918, MedGen C4225358, MONDO:0014597, OMIM 616345.

Allele frequency attached by ClinVar (database versions not stated): TOPMed below 0.00001.

Submission:

Labcorp Genetics (formerly Invitae), Labcorp
Classification: Uncertain significance for Immunodeficiency 39. Last evaluated: 2021-06-18. Review status: criteria provided, single submitter. Criteria: Invitae Variant Classification Sherloc (09022015). Collection method: clinical testing. Allele origin: germline.
Comment: This variant has not been reported in the literature in individuals with IRF7-related conditions. The frequency data for this variant in the population databases is considered unreliable, as metrics indicate poor data quality at this position in the ExAC database. This sequence change replaces proline with leucine at codon 94 of the IRF7 protein (p.Pro94Leu). The proline residue is moderately conserved and there is a moderate physicochemical difference between proline and leucine. Algorithms developed to predict the effect of missense changes on protein structure and function output the following: SIFT: "Deleterious"; PolyPhen-2: "Benign"; Align-GVGD: "Class C0". The leucine amino acid residue is found in multiple mammalian species, suggesting that this missense change does not adversely affect protein function. These predictions have not been confirmed by published functional studies and their clinical significance is uncertain. In summary, the available evidence is currently insufficient to determine the role of this variant in disease. Therefore, it has been classified as a Variant of Uncertain Significance.